The following continues an entry in ClinVar:

NM_206933.4(USH2A):c.2299del (p.Glu767fs)

Gene: USH2A. ClinVar aggregate classification (germline): Pathogenic. Pathogenic (49).

Submissions 31 to 50 of 65:

Ocular Genomics Institute, Massachusetts Eye and Ear
Classification: Pathogenic for Retinitis pigmentosa 39. Last evaluated: 2021-04-08. Review status: criteria provided, single submitter. Criteria: ACMG Guidelines, 2015. Collection method: research. Allele origin: germline. Affected: yes.
Comment: Through a review of available evidence we were able to apply the following criteria: PVS1, PM2, PM3, PP1, PP3. Based on this evidence we have classified this variant as Pathogenic.

Broad Center for Mendelian Genomics, Broad Institute of MIT and Harvard
Classification: Pathogenic for Retinitis pigmentosa. Last evaluated: 2021-04-01. Review status: criteria provided, single submitter. Criteria: ACMG Guidelines, 2015. Collection method: curation. Allele origin: germline. Inheritance: Autosomal recessive inheritance. Affected: yes.
Comment: Through a review of available evidence we were able to apply the following criteria: PVS1, PM2, PM3, PP1, PP3. Based on this evidence we have classified this variant as Pathogenic. If you have any questions about the classification please reach out to the Pierce Lab.

Institute of Medical Genetics and Applied Genomics, University Hospital Tübingen
Classification: Pathogenic. Last evaluated: 2020-10-23. Review status: criteria provided, single submitter. Criteria: ACMG Guidelines, 2015. Collection method: clinical testing. Allele origin: germline. Inheritance: Autosomal recessive inheritance. Affected: yes.

Ambry Genetics
Classification: Pathogenic for Inborn genetic diseases. Last evaluated: 2020-03-03. Review status: criteria provided, single submitter. Criteria: Ambry Variant Classification Scheme 2023. Collection method: clinical testing. Allele origin: germline.
Comment: The alteration results in a premature stop codon: _x000D_ _x000D_ The c.2299delG (p.E767Sfs*21) alteration, located in exon 13 (coding exon 12) of the USH2A gene, consists of a deletion of one nucleotide at position 2299, causing a translational frameshift with a predicted alternate stop codon after 21 amino acids. This alteration is expected to result in loss of function by premature protein truncation or nonsense-mediated mRNA decay. The alteration has been observed in affected individuals:_x000D_ _x000D_ The c.2299delG alteration is the most common alteration found in Usher syndrome type II (Ouyang, 2004; Baux, 2007). Based on the available evidence, this alteration is classified as pathogenic.

GeneDx
Classification: Pathogenic. Last evaluated: 2020-01-13. Review status: criteria provided, single submitter. Criteria: GeneDx Variant Classification Process June 2021. Collection method: clinical testing. Allele origin: germline. Affected: yes.
Comment: Frameshift variant predicted to result in protein truncation or nonsense mediated decay in a gene for which loss-of-function is a known mechanism of disease; This variant is associated with the following publications: (PMID: 22581970, 9624053, 32141364, 27344577, 20145675, 29847639, 23352160, 18665195, 26872967, 12525556, 11402400, 24607488, 29151245, 25097241, 15325563, 14970843, 26969326, 24160897, 25404053, 27460420, 22135276, 23924366, 17296898, 25649381, 24944099, 22495311, 21234346, 21174530, 11311042, 10775529, 10729113, 26633545, 10909849, 23891399, 20301515, 15025721, 12112664, 19881469, 17405132, 10090909, 30337596, 28157192, 28838317, 29953849, 31231422, 31266775, 32581362, 31827275, 31980526, 32176120, 32036094, 32664777, 31589614, 33576794, 30755392, 32853555)

Myriad Genetics, Inc.
Classification: Pathogenic for Usher syndrome type 2A. Last evaluated: 2019-12-17. Review status: criteria provided, single submitter. Criteria: Myriad Women's Health Autosomal Recessive and X-Linked Classification Criteria (2019). Collection method: clinical testing. Allele origin: unknown.
Comment: NM_206933.2(USH2A):c.2299delG(aka E767Sfs*21) is classified as pathogenic in the context of USH2A-related disorders. Sources cited for classification include the following: PMID 10909849 and 24607488. Classification of NM_206933.2(USH2A):c.2299delG(aka E767Sfs*21)is based on the following criteria: The variant causes a premature termination codon that is expected to be targeted by nonsense-mediated mRNA decay and is reported in individuals with the relevant phenotype. Please note: this variant was assessed in the context of healthy population screening.

Women's Health and Genetics/Laboratory Corporation of America, LabCorp
Classification: Pathogenic for Usher syndrome. Last evaluated: 2019-10-25. Review status: criteria provided, single submitter. Criteria: LabCorp Variant Classification Summary - May 2015. Collection method: clinical testing. Allele origin: germline.
Comment: Variant summary: USH2A c.2299delG (p.Glu767SerfsX21) results in a premature termination codon, predicted to cause a truncation of the encoded protein or absence of the protein due to nonsense mediated decay, which are commonly known mechanisms for disease. The variant allele was found at a frequency of 0.00076 in 250832 control chromosomes. This frequency is not significantly higher than expected for a pathogenic variant in USH2A causing Usher syndrome (0.00076 vs 0.013), allowing no conclusion about variant significance. c.2299delG has been reported in the literature in multiple individuals affected with Usher syndrome. This variant appears to be a common USH2A mutation contributing to Usher Syndrome Type II (e.g. Aller_2004, Calzetti_2018 and Gene Reviews). Lenassi et al suggest that this change could disrupt an exonic splicing enhancer and create an exonic splicing silencer within exon 13 and therefore affect splicing of exons 12 and 13 of USH2A (Lenassi_2014). Nine ClinVar submitters (evaluation after 2014) cite this variant as pathogenic. Based on the evidence outlined above, the variant was classified as pathogenic.

Centre for Genomic Medicine, Manchester, Central Manchester University Hospitals
Classification: Pathogenic for Usher syndrome type 2A. Last evaluated: 2019-02-01. Review status: criteria provided, single submitter. Criteria: ACMG Guidelines, 2015. Collection method: clinical testing. Allele origin: germline. Affected: yes. Observed: 1 variant allele, 1 compound heterozygote.

Center for Personalized Medicine, Children's Hospital Los Angeles
Classification: Pathogenic. Last evaluated: 2018-11-19. Review status: criteria provided, single submitter. Criteria: ACMG Guidelines, 2015. Collection method: clinical testing. Allele origin: germline. Affected: yes.

ARUP Laboratories, Molecular Genetics and Genomics, ARUP Laboratories
Classification: Pathogenic. Last evaluated: 2018-07-31. Review status: criteria provided, single submitter. Criteria: ARUP Molecular Germline Variant Investigation Process. Collection method: clinical testing. Allele origin: germline.
Comment: The Glu767fs variant (rs80338903) has been observed in multiple cohorts of patients with Usher Syndrome, Type II (selected references: Eudy 1998, Dreyer 2001, Aller 2010). It is one of the most common pathogenic alleles of USH2A, and it is estimated that this variant accounts for 16% (Weston 2000) to 76% (Ouyang 2004) of all pathogenic USH2A variant. This variant is listed in the Genome Aggregation Database (gnomAD) database with a frequency in Latino populations of 0.20% (identified in 34 out of 34,442 chromosomes).

Knight Diagnostic Laboratories, Oregon Health and Sciences University
Classification: Pathogenic. Last evaluated: 2017-09-26. Review status: criteria provided, single submitter. Criteria: ACMG Guidelines, 2015. Collection method: clinical testing. Allele origin: germline. Observed: 1 variant allele.

Eurofins Ntd Llc (ga)
Classification: Pathogenic. Last evaluated: 2016-10-14. Review status: criteria provided, single submitter. Criteria: EGL Classification Definitions 2015. Collection method: clinical testing. Allele origin: germline. Observed: 11 variant alleles, 11 heterozygotes.

Laboratory for Molecular Medicine, Mass General Brigham Personalized Medicine
Classification: Pathogenic for Rare genetic deafness; Usher syndrome. Last evaluated: 2014-09-30. Review status: criteria provided, single submitter. Criteria: LMM Criteria. Collection method: clinical testing. Allele origin: germline. Observed: 64 variant alleles.
Comment: The p.Glu767fs variant in USH2A is a common pathogenic variant known to be assoc iated with Usher syndrome (Weston 2000, Dreyer 2000, Dreyer 2001, Najera 2002, O uyang 2004, Aller 2004).

Baylor Genetics
Classification: Pathogenic for Usher syndrome type 2A. Review status: criteria provided, single submitter. Criteria: ACMG Guidelines, 2015. Collection method: clinical testing. Allele origin: germline.

Clinical Genetics Service, Universitary Hospital 12 de Octubre
Classification: Pathogenic for Retinitis pigmentosa 39. Review status: criteria provided, single submitter. Criteria: ACMG Guidelines, 2015. Collection method: clinical testing. Allele origin: germline. Affected: yes.

Clinical Genetics Service, Universitary Hospital 12 de Octubre
Classification: Pathogenic for Usher syndrome type 2A. Review status: criteria provided, single submitter. Criteria: ACMG Guidelines, 2015. Collection method: clinical testing. Allele origin: germline. Affected: yes.

Genomics England Pilot Project, Genomics England
Classification: Pathogenic for Usher syndrome type 2A. Review status: criteria provided, single submitter. Criteria: ACGS Guidelines, 2016. Collection method: clinical testing. Allele origin: germline. Affected: yes.

Genomics England Pilot Project, Genomics England
Classification: Pathogenic for Retinitis pigmentosa 39. Review status: criteria provided, single submitter. Criteria: ACGS Guidelines, 2016. Collection method: clinical testing. Allele origin: germline. Affected: yes.

UNC Molecular Genetics  Laboratory, University of North Carolina at Chapel Hill
Classification: Pathogenic for USH2A-Related Disorders. Review status: criteria provided, single submitter. Criteria: ACMG Guidelines, 2015. Collection method: research. Allele origin: inherited. Affected: yes. Observed: 1 variant allele. Study: NSIGHT-NC NEXUS.
Comment: The c.2299delG (p.E767Sfs) variant is one of the most common pathogenic variants in USH2A and has been previously reported in multiple individuals with Usher syndrome type IIA or nonsyndromic retinitis pigmentosa (PMID: 18641288; 11402400; 15326663).

Department of Clinical Genetics, Copenhagen University Hospital, Rigshospitalet
Classification: Pathogenic for Usher syndrome. Last evaluated: 2018-04-01. Review status: no assertion criteria provided. Collection method: research. Allele origin: unknown. Affected: yes. Study: VeluxRD. Not counted in ClinVar's aggregate classification.